The following is an entry in ClinVar:

NM_020686.6(ABAT):c.323G>A (p.Ser108Asn)

Gene: ABAT (4-aminobutyrate aminotransferase; plus strand). Cytogenetic location: 16p13.2.
Variant type: single nucleotide variant.
Coding change: c.323G>A on transcript NM_020686.6 (MANE Select); coding-DNA position 323, G replaced by A.
Protein change: p.Ser108Asn; replaces serine 108 with asparagine.
Molecular consequence: missense variant.
Genome position (GRCh38, 1-based): chr16:8,757,763, G>A. VCF-style: chr16-8757763-G-A. GRCh37 (hg19) VCF-style: chr16-8851620-G-A.
Other names: c.323G>A, p.Ser108Asn (NM_000663.5, NM_001127448.2, NM_001386600.1 and 10 more transcripts); c.188G>A, p.Ser63Asn (NM_001386610.1, NM_001386611.1, NM_001386612.1 and 1 more transcripts); c.77G>A, p.Ser26Asn (NM_001386614.1); c.419G>A, p.Ser140Asn (NM_001386615.1); short protein forms S140N, S108N, S26N, S63N.
Identifiers: ClinVar variation 2073545 (VCV002073545.4), dbSNP rs1382344400, ClinGen allele CA394688026.
Genomic context (GRCh38, chr16:8,757,763, plus strand): 5'-CATGGGGAACCCTTGGATGCAATGAGGTCTCTAACAATACTCTCCTGCCCTCAGGTTACA[G>A]CCACCCCGCCCTGCTGAAACTCATCCAACAGCCTCAAAATGCGGTAGGTCTTGGGGTTAC-3'
Protein context (NP_065737.2, residues 98-118): SQISSVPIGY[Ser108Asn]HPALLKLIQQ

ClinVar aggregate classification (germline): Uncertain significance (1 of 4 stars; one submission).

Conditions:
Gamma-aminobutyric acid transaminase deficiency (GABATD). Also called: GABA transaminase deficiency; Gamma aminobutyrate transaminase deficiency; 4 alpha aminobutyrate transaminase deficiency; GABA aminotransaminase deficiency. Identifiers: Orphanet 2066, MedGen C0342708, MONDO:0013166, OMIM 613163.

Allele frequency attached by ClinVar (database versions not stated): TOPMed below 0.00001; gnomAD 0.00001.
gnomAD v4.1: 2 of 1,613,956 alleles (0.00012%); highest among the groups gnomAD compares: Admixed American, 0.0033%; no homozygotes.

Submission:

Labcorp Genetics (formerly Invitae), Labcorp
Classification: Uncertain significance for Gamma-aminobutyric acid transaminase deficiency. Last evaluated: 2021-12-08. Review status: criteria provided, single submitter. Criteria: Invitae Variant Classification Sherloc (09022015). Collection method: clinical testing. Allele origin: germline.
Comment: This variant is not present in population databases (gnomAD no frequency). This variant has not been reported in the literature in individuals affected with ABAT-related conditions. Algorithms developed to predict the effect of missense changes on protein structure and function output the following: SIFT: "Tolerated"; PolyPhen-2: "Benign"; Align-GVGD: "Class C0". The asparagine amino acid residue is found in multiple mammalian species, which suggests that this missense change does not adversely affect protein function. This sequence change replaces serine, which is neutral and polar, with asparagine, which is neutral and polar, at codon 108 of the ABAT protein (p.Ser108Asn). In summary, the available evidence is currently insufficient to determine the role of this variant in disease. Therefore, it has been classified as a Variant of Uncertain Significance.